The following is an entry in ClinVar:

ClinVar aggregate classification (germline): Benign/Likely benign. Review status: criteria provided, multiple submitters, no conflicts (2 of 4 stars). 4 submissions from 4 submitters: Benign (1); Likely benign (3). Last evaluated 2026-01-13.

Conditions:
BAP1-related tumor predisposition syndrome (TPDS1). Also called: Tumor susceptibility linked to germline BAP1 mutations; COMMON Syndrome; TUMOR PREDISPOSITION SYNDROME 1; BAP1 tumor predisposition syndrome. Identifiers: Orphanet 289539, MedGen C3280492, MONDO:0013692, OMIM 614327.
Hereditary cancer-predisposing syndrome. Also called: Hereditary Cancer Syndrome; Neoplastic Syndromes, Hereditary; Tumor predisposition; Hereditary neoplastic syndrome. Identifiers: Orphanet 140162, MedGen C0027672, MeSH D009386, MONDO:0015356.

Allele frequency attached by ClinVar (database versions not stated): gnomAD exomes below 0.00001.
gnomAD v4.1: 2 of 1,614,084 alleles (0.00012%); highest among the groups gnomAD compares: Admixed American, 0.0017%; no homozygotes.

Submissions (4):

Labcorp Genetics (formerly Invitae), Labcorp
Classification: Likely benign for BAP1-related tumor predisposition syndrome. Last evaluated: 2026-01-13. Review status: criteria provided, single submitter. Criteria: Invitae Variant Classification Sherloc (09022015). Collection method: clinical testing. Allele origin: germline.

Myriad Genetics, Inc.
Classification: Benign for BAP1-related tumor predisposition syndrome. Last evaluated: 2024-07-15. Review status: criteria provided, single submitter. Criteria: Myriad Autosomal Dominant, Autosomal Recessive and X-Linked Classification Criteria (2023). Collection method: clinical testing. Allele origin: unknown.
Comment: This variant is considered benign. This variant is a silent/synonymous amino acid change and it is not expected to impact splicing.

Color Diagnostics, LLC DBA Color Health
Classification: Likely benign for Hereditary cancer-predisposing syndrome. Last evaluated: 2019-12-11. Review status: criteria provided, single submitter. Criteria: ACMG Guidelines, 2015. Collection method: clinical testing. Allele origin: germline.

Ambry Genetics
Classification: Likely benign for Hereditary cancer-predisposing syndrome. Last evaluated: 2017-06-05. Review status: criteria provided, single submitter. Criteria: Ambry Variant Classification Scheme 2023. Collection method: clinical testing. Allele origin: germline.

NM_004656.4(BAP1):c.870C>T (p.Asn290=)

Gene: BAP1 (BRCA1 associated deubiquitinase 1; minus strand). Cytogenetic location: 3p21.1.
Variant type: single nucleotide variant.
Coding change: c.870C>T on transcript NM_004656.4 (MANE Select); coding-DNA position 870, C replaced by T.
Protein change: p.Asn290=; no amino-acid change (asparagine 290 retained).
Molecular consequence: synonymous variant.
Genome position (GRCh38, 1-based): chr3:52,405,826, G>A on the plus strand (C>T on the coding strand, the complement: BAP1 is on the minus strand). VCF-style: chr3-52405826-G-A. GRCh37 (hg19) VCF-style: chr3-52439842-G-A.
Other names: c.870C>T (LRG_529t1).
Identifiers: ClinVar variation 480862 (VCV000480862.15), dbSNP rs1450323802, ClinGen allele CA433775660.